The following is an entry in ClinVar:

ClinVar aggregate classification (germline): Uncertain significance (1 of 4 stars; one submission).

Conditions:
Familial adenomatous polyposis 1 (FAP1). Also called: POLYPOSIS, ADENOMATOUS INTESTINAL; FAMILIAL ADENOMATOUS POLYPOSIS 1, ATTENUATED. Identifiers: MedGen C2713442, MONDO:0021056, OMIM 175100. Disease mechanism: loss of function.

gnomAD v4.1: 1 of 1,611,776 alleles (0.000062%); no homozygotes.

Submission:

Labcorp Genetics (formerly Invitae), Labcorp
Classification: Uncertain significance for Familial adenomatous polyposis 1. Last evaluated: 2025-06-08. Review status: criteria provided, single submitter. Criteria: Invitae Variant Classification Sherloc (09022015). Collection method: clinical testing. Allele origin: germline.
Comment: This sequence change replaces arginine, which is basic and polar, with proline, which is neutral and non-polar, at codon 302 of the APC protein (p.Arg302Pro). This variant is not present in population databases (gnomAD no frequency). This variant has not been reported in the literature in individuals affected with APC-related conditions. ClinVar contains an entry for this variant (Variation ID: 2735571). Invitae Evidence Modeling of protein sequence and biophysical properties (such as structural, functional, and spatial information, amino acid conservation, physicochemical variation, residue mobility, and thermodynamic stability) indicates that this missense variant is not expected to disrupt APC protein function with a negative predictive value of 95%. In summary, the available evidence is currently insufficient to determine the role of this variant in disease. Therefore, it has been classified as a Variant of Uncertain Significance.

NM_000038.6(APC):c.905G>C (p.Arg302Pro)

Gene: APC (APC regulator of Wnt signaling pathway; plus strand). Cytogenetic location: 5q22.2.
Variant type: single nucleotide variant.
Coding change: c.905G>C on transcript NM_000038.6 (MANE Select); coding-DNA position 905, G replaced by C.
Protein change: p.Arg302Pro; replaces arginine 302 with proline.
Molecular consequence: missense variant. On other transcripts: non-coding transcript variant (2).
Genome position (GRCh38, 1-based): chr5:112,815,565, G>C. VCF-style: chr5-112815565-G-C. GRCh37 (hg19) VCF-style: chr5-112151262-G-C.
Other names: c.905G>C, p.Arg302Pro (NM_001127510.3, NM_001354895.2, NM_001354896.2 and 12 more transcripts); c.851G>C, p.Arg284Pro (NM_001127511.3); c.935G>C, p.Arg312Pro (NM_001354897.2, NM_001354902.2, NM_001407446.1); c.830G>C, p.Arg277Pro (NM_001354898.2, NM_001354904.2, NM_001407451.1); c.821G>C, p.Arg274Pro (NM_001354899.2, NM_001407452.1, NM_001407467.1 and 1 more transcripts); c.728G>C, p.Arg243Pro (NM_001354900.2, NM_001354901.2, NM_001354905.2 and 1 more transcripts); c.56G>C, p.Arg19Pro (NM_001354906.2, NM_001407470.1, NM_001407471.1 and 1 more transcripts); short protein forms R284P, R312P, R277P, R19P, R274P, R243P, R302P.
Identifiers: ClinVar variation 2735571 (VCV002735571.3), dbSNP rs764841552, ClinGen allele CA16023294.